The following is an entry in ClinVar:

ClinVar aggregate classification (germline): Uncertain significance (1 of 4 stars; one submission).

Conditions:
Mitochondrial complex I deficiency, nuclear type 26. Also called: Mitochondrial complex 1 deficiency, nuclear type 26. Identifiers: MedGen C4748809, MONDO:0032630, OMIM 618247.

gnomAD v4.1: 1 of 1,613,910 alleles (0.000062%); highest among the groups gnomAD compares: Middle Eastern, 0.017%; no homozygotes.

Submission:

Baylor Genetics
Classification: Uncertain significance for Mitochondrial complex I deficiency, nuclear type 26. Last evaluated: 2020-06-20. Review status: criteria provided, single submitter. Criteria: ACMG Guidelines, 2015. Collection method: clinical testing. Allele origin: unknown. Affected: yes.
Comment: This variant was determined to be of uncertain significance according to ACMG Guidelines, 2015 [PMID:25741868].

NM_005002.5(NDUFA9):c.251A>C (p.Tyr84Ser)

Gene: NDUFA9 (NADH:ubiquinone oxidoreductase subunit A9; plus strand). Cytogenetic location: 12p13.32.
Variant type: single nucleotide variant.
Coding change: c.251A>C on transcript NM_005002.5 (MANE Select); coding-DNA position 251, A replaced by C.
Protein change: p.Tyr84Ser; replaces tyrosine 84 with serine.
Molecular consequence: missense variant.
Genome position (GRCh38, 1-based): chr12:4,654,855, A>C. VCF-style: chr12-4654855-A-C. GRCh37 (hg19) VCF-style: chr12-4764021-A-C.
Other names: short protein forms Y84S.
Identifiers: ClinVar variation 1030867 (VCV001030867.1), dbSNP rs1565564733, ClinGen allele CA383448938.